The following is an entry in ClinVar:

NM_030662.4(MAP2K2):c.386A>C (p.Tyr129Ser)

Gene: MAP2K2 (mitogen-activated protein kinase kinase 2; minus strand). Cytogenetic location: 19p13.3.
Variant type: single nucleotide variant.
Coding change: c.386A>C on transcript NM_030662.4 (MANE Select); coding-DNA position 386, A replaced by C.
Protein change: p.Tyr129Ser; replaces tyrosine 129 with serine.
Molecular consequence: missense variant.
Genome position (GRCh38, 1-based): chr19:4,110,573, T>G on the plus strand (A>C on the coding strand, the complement: MAP2K2 is on the minus strand). VCF-style: chr19-4110573-T-G. GRCh37 (hg19) VCF-style: chr19-4110571-T-G.
Other names: short protein forms Y129S.
Identifiers: ClinVar variation 2739363 (VCV002739363.3), dbSNP rs2145069895, ClinGen allele CA403391462.

ClinVar aggregate classification (germline): Uncertain significance (1 of 4 stars; one submission).

Conditions:
RASopathy. Also called: rasopathies; Noonan spectrum disorder. Identifiers: Orphanet 536391, MedGen C5555857, MONDO:0021060.

Submission:

Labcorp Genetics (formerly Invitae), Labcorp
Classification: Uncertain significance for RASopathy. Last evaluated: 2023-05-01. Review status: criteria provided, single submitter. Criteria: Invitae Variant Classification Sherloc (09022015). Collection method: clinical testing. Allele origin: germline.
Comment: This sequence change replaces tyrosine, which is neutral and polar, with serine, which is neutral and polar, at codon 129 of the MAP2K2 protein (p.Tyr129Ser). This variant is not present in population databases (gnomAD no frequency). This variant has not been reported in the literature in individuals affected with MAP2K2-related conditions. Advanced modeling of protein sequence and biophysical properties (such as structural, functional, and spatial information, amino acid conservation, physicochemical variation, residue mobility, and thermodynamic stability) has been performed at Invitae for this missense variant, however the output from this modeling did not meet the statistical confidence thresholds required to predict the impact of this variant on MAP2K2 protein function. In summary, the available evidence is currently insufficient to determine the role of this variant in disease. Therefore, it has been classified as a Variant of Uncertain Significance.